The following is an entry in ClinVar:

ClinVar aggregate classification (germline): Uncertain significance (1 of 4 stars; one submission).

Allele frequency attached by ClinVar (database versions not stated): gnomAD exomes below 0.00001.
gnomAD v4.1: 1 of 1,548,494 alleles (0.000065%); highest among the groups gnomAD compares: Admixed American, 0.002%; no homozygotes.

Submission:

Ambry Genetics
Classification: Uncertain significance. Last evaluated: 2023-12-21. Review status: criteria provided, single submitter. Criteria: Ambry Variant Classification Scheme 2023. Collection method: clinical testing. Allele origin: germline.
Comment: The c.2446C>T (p.R816W) alteration is located in exon (coding exon ) of the PARG gene. This alteration results from a C to T substitution at nucleotide position 2446, causing the arginine (R) at amino acid position 816 to be replaced by a tryptophan (W). Based on insufficient or conflicting evidence, the clinical significance of this alteration remains unclear.

NM_003631.5(PARG):c.2446C>T (p.Arg816Trp)

Gene: PARG (poly(ADP-ribose) glycohydrolase; minus strand). Cytogenetic location: 10q11.23.
Variant type: single nucleotide variant.
Coding change: c.2446C>T on transcript NM_003631.5 (MANE Select); coding-DNA position 2446, C replaced by T.
Protein change: p.Arg816Trp; replaces arginine 816 with tryptophan.
Molecular consequence: missense variant. On other transcripts: non-coding transcript variant (7).
Genome position (GRCh38, 1-based): chr10:49,842,045, G>A on the plus strand (C>T on the coding strand, the complement: PARG is on the minus strand). VCF-style: chr10-49842045-G-A. GRCh37 (hg19) VCF-style: chr10-51050091-G-A.
Other names: c.2200C>T, p.Arg734Trp (NM_001303486.3, NM_001324381.3); c.2122C>T, p.Arg708Trp (NM_001303487.3); c.1204C>T, p.Arg402Trp (NM_001303489.3); short protein forms R816W, R402W, R708W, R734W.
Identifiers: ClinVar variation 3208649 (VCV003208649.1), dbSNP rs1554832457, ClinGen allele CA376816412.